The following is an entry in ClinVar:

ClinVar aggregate classification (germline): Uncertain significance (1 of 4 stars; one submission).

Conditions:
Hereditary cancer-predisposing syndrome. Also called: Hereditary Cancer Syndrome; Tumor predisposition; Hereditary neoplastic syndrome; Neoplastic Syndromes, Hereditary. Identifiers: Orphanet 140162, MedGen C0027672, MeSH D009386, MONDO:0015356.
Cardiovascular phenotype. Identifiers: MedGen CN230736.

Submission:

Ambry Genetics
Classification: Uncertain significance for Cardiovascular phenotype; Hereditary cancer-predisposing syndrome. Last evaluated: 2024-10-11. Review status: criteria provided, single submitter. Criteria: Ambry Variant Classification Scheme 2023. Collection method: clinical testing. Allele origin: germline.
Comment: The p.D1535E variant (also known as c.4605T>A), located in coding exon 34 of the NF1 gene, results from a T to A substitution at nucleotide position 4605. The aspartic acid at codon 1535 is replaced by glutamic acid, an amino acid with highly similar properties. This amino acid position is conserved. In addition, this alteration is predicted to be tolerated by in silico analysis. Based on the available evidence, the clinical significance of this variant remains unclear.

NM_001042492.3(NF1):c.4668T>A (p.Asp1556Glu)

Gene: NF1 (neurofibromin 1; plus strand). Cytogenetic location: 17q11.2.
Variant type: single nucleotide variant.
Coding change: c.4668T>A on transcript NM_001042492.3 (MANE Select); coding-DNA position 4668, T replaced by A.
Protein change: p.Asp1556Glu; replaces aspartic acid 1556 with glutamic acid.
Molecular consequence: missense variant.
Genome position (GRCh38, 1-based): chr17:31,261,801, T>A. VCF-style: chr17-31261801-T-A. GRCh37 (hg19) VCF-style: chr17-29588819-T-A.
Other names: c.4605T>A, p.Asp1535Glu (NM_000267.4); short protein forms D1556E, D1535E.
Identifiers: ClinVar variation 3404788 (VCV003404788.1).